The following is an entry in ClinVar:

ClinVar aggregate classification (germline): Pathogenic (1 of 4 stars; one submission).

Submission:

Centre of Medical Genetics, University Hospital Muenster
Classification: Pathogenic. Last evaluated: 2021-12-16. Review status: criteria provided, single submitter. Criteria: ACMG Guidelines, 2015. Collection method: clinical testing. Allele origin: unknown. Affected: yes. Observed: 1 variant allele, 1 heterozygote.
Comment: ACMG categories: PVS1,PM2,PM3

NM_024596.5(MCPH1):c.168C>G (p.Tyr56Ter)

Gene: MCPH1 (microcephalin 1; plus strand). Cytogenetic location: 8p23.1.
Variant type: single nucleotide variant.
Coding change: c.168C>G on transcript NM_024596.5 (MANE Select); coding-DNA position 168, C replaced by G.
Protein change: p.Tyr56Ter; replaces tyrosine 56 with a stop codon.
Molecular consequence: nonsense. On other transcripts: non-coding transcript variant (1).
Genome position (GRCh38, 1-based): chr8:6,414,818, C>G. VCF-style: chr8-6414818-C-G. GRCh37 (hg19) VCF-style: chr8-6272339-C-G.
Other names: c.168C>G, p.Tyr56Ter (NM_001172574.2, NM_001172575.2, NM_001322042.2 and 4 more transcripts); c.162C>G, p.Tyr54Ter (NM_001322043.2); c.66C>G, p.Tyr22Ter (NM_001322045.2); short protein forms Y22*, Y54*, Y56*.
Identifiers: ClinVar variation 1708306 (VCV001708306.1), dbSNP rs765627692, ClinGen allele CA370216023.